The following is an entry in ClinVar:

NM_022489.4(INF2):c.1217_1228del (p.Leu406_Ser409del)

Gene: INF2 (inverted formin 2; plus strand). Cytogenetic location: 14q32.33.
Variant type: Deletion.
Coding change: c.1217_1228del on transcript NM_022489.4 (MANE Select); coding-DNA positions 1217 to 1228, 12 bases deleted (TGAAAGTTTCGC).
Protein change: p.Leu406_Ser409del.
Molecular consequence: inframe deletion.
Genome position (GRCh38, 1-based): chr14:104,707,484-104,707,495, TGAAAGTTTCGC deleted; deleting any 12 consecutive bases within chr14:104,707,483-104,707,495 gives the same sequence; the c. name uses the placement nearest the transcript's 3' end. VCF-style (leftmost placement, unchanged base first): chr14-104707482-CCTGAAAGTTTCG-C. GRCh37 (hg19) VCF-style: chr14-105173819-CCTGAAAGTTTCG-C.
Other names: c.1217_1228del, p.Leu406_Ser409del (NM_001031714.4); c.1217_1228del12 (NM_022489.3).
Identifiers: ClinVar variation 2166990 (VCV002166990.7), dbSNP rs1331111113, ClinGen allele CA703402114.

ClinVar aggregate classification (germline): Uncertain significance. Review status: criteria provided, multiple submitters, no conflicts (2 of 4 stars). 3 submissions from 3 submitters: Uncertain significance (2). 1 of the submissions does not count toward it. Last evaluated 2024-05-20.

Conditions:
INF2-related disorder. Also called: INF2-related condition.
Charcot-Marie-Tooth disease dominant intermediate E. Also called: CHARCOT-MARIE-TOOTH NEUROPATHY WITH FOCAL SEGMENTAL GLOMERULONEPHRITIS. Identifiers: Orphanet 93114, MedGen C4302667, MONDO:0013758, OMIM 614455.
Focal segmental glomerulosclerosis 5 (FSGS5). Identifiers: Orphanet 656, MedGen C2750475, MONDO:0013191, OMIM 613237.

Submissions (3):

Fulgent Genetics
Classification: Uncertain significance for Focal segmental glomerulosclerosis 5; Charcot-Marie-Tooth disease dominant intermediate E. Last evaluated: 2024-05-20. Review status: criteria provided, single submitter. Criteria: ACMG Guidelines, 2015. Collection method: clinical testing. Allele origin: germline.

Labcorp Genetics (formerly Invitae), Labcorp
Classification: Uncertain significance for Charcot-Marie-Tooth disease dominant intermediate E; Focal segmental glomerulosclerosis 5. Last evaluated: 2022-06-09. Review status: criteria provided, single submitter. Criteria: Invitae Variant Classification Sherloc (09022015). Collection method: clinical testing. Allele origin: germline.
Comment: In summary, the available evidence is currently insufficient to determine the role of this variant in disease. Therefore, it has been classified as a Variant of Uncertain Significance. Experimental studies and prediction algorithms are not available or were not evaluated, and the functional significance of this variant is currently unknown. This variant has not been reported in the literature in individuals affected with INF2-related conditions. This variant is not present in population databases (gnomAD no frequency). This variant, c.1217_1228del, results in the deletion of 4 amino acid(s) of the INF2 protein (p.Leu406_Ser409del), but otherwise preserves the integrity of the reading frame.

PreventionGenetics, part of Exact Sciences
Classification: Uncertain significance for INF2-related condition. Last evaluated: 2023-11-08. Review status: no assertion criteria provided. Collection method: clinical testing. Allele origin: germline. Not counted in ClinVar's aggregate classification.
Comment: The INF2 c.1217_1228del12 variant is predicted to result in an in-frame deletion (p.Leu406_Ser409del). To our knowledge, this variant has not been reported in the literature or in a large population database, indicating this variant is rare. At this time, the clinical significance of this variant is uncertain due to the absence of conclusive functional and genetic evidence.